The following is an entry in ClinVar:

ClinVar aggregate classification (germline): Benign. Review status: criteria provided, multiple submitters, no conflicts (2 of 4 stars). 2 submissions from 2 submitters: Benign (2). Last evaluated 2018-06-14.

Allele frequency attached by ClinVar (database versions not stated): 1000 Genomes Project 0.68490; 1000 Genomes Project 30x 0.69441; TOPMed 0.82169; gnomAD 0.84428 and 0.85387; gnomAD exomes 0.84811.
gnomAD v4.1: 538,450 of 635,244 alleles (85%); highest among the groups gnomAD compares: Non-Finnish European, 93%; 239,693 homozygotes.

Submissions (2):

GeneDx
Classification: Benign. Last evaluated: 2018-06-14. Review status: criteria provided, single submitter. Criteria: GeneDx Variant Classification (06012015). Collection method: clinical testing. Allele origin: germline. Affected: yes.
Comment: This variant is considered likely benign or benign based on one or more of the following criteria: it is a conservative change, it occurs at a poorly conserved position in the protein, it is predicted to be benign by multiple in silico algorithms, and/or has population frequency not consistent with disease.

Breakthrough Genomics
Classification: Benign. Review status: criteria provided, single submitter. Criteria: ACMG Guidelines, 2015. Collection method: not provided. Allele origin: germline. Inheritance: Autosomal recessive inheritance. Affected: yes.

NM_000183.3(HADHB):c.-8-138A>G

Gene: HADHB (hydroxyacyl-CoA dehydrogenase trifunctional multienzyme complex subunit beta; plus strand). Cytogenetic location: 2p23.3.
Variant type: single nucleotide variant.
Coding change: c.-8-138A>G on transcript NM_000183.3 (MANE Select); 138 bases into the intron before 8 bases upstream of the start codon, A replaced by G.
Molecular consequence: intron variant.
Genome position (GRCh38, 1-based): chr2:26,254,109, A>G. VCF-style: chr2-26254109-A-G. GRCh37 (hg19) VCF-style: chr2-26476977-A-G.
Other names: c.-157-138A>G (NM_001281513.2); c.-8-138A>G (NM_001281512.2).
Identifiers: ClinVar variation 676138 (VCV000676138.2), dbSNP rs10201087, ClinGen allele CA44371551.